The following is an entry in ClinVar:

NM_022765.4(MICAL1):c.3106A>T (p.Lys1036Ter)

Gene: MICAL1 (microtubule associated monooxygenase, calponin and LIM domain containing 1; minus strand). Cytogenetic location: 6q21.
Variant type: single nucleotide variant.
Coding change: c.3106A>T on transcript NM_022765.4 (MANE Select); coding-DNA position 3106, A replaced by T.
Protein change: p.Lys1036Ter; replaces lysine 1036 with a stop codon.
Molecular consequence: nonsense.
Genome position (GRCh38, 1-based): chr6:109,444,289, T>A on the plus strand (A>T on the coding strand, the complement: MICAL1 is on the minus strand). VCF-style: chr6-109444289-T-A. GRCh37 (hg19) VCF-style: chr6-109765492-T-A.
Other names: c.2848A>T, p.Lys950Ter (NM_001159291.2); c.3163A>T, p.Lys1055Ter (NM_001286613.2); short protein forms K1055*, K950*, K1036*.
Identifiers: ClinVar variation 3647660 (VCV003647660.2).

ClinVar aggregate classification (germline): Uncertain significance (1 of 4 stars; one submission).

gnomAD v4.1: 2 of 1,613,528 alleles (0.00012%); highest among the groups gnomAD compares: Non-Finnish European, 0.00017%; no homozygotes.

Submission:

Labcorp Genetics (formerly Invitae), Labcorp
Classification: Uncertain significance. Last evaluated: 2024-03-26. Review status: criteria provided, single submitter. Criteria: Invitae Variant Classification Sherloc (09022015). Collection method: clinical testing. Allele origin: germline.
Comment: This sequence change creates a premature translational stop signal (p.Lys1055*) in the MICAL1 gene. While this is not anticipated to result in nonsense mediated decay, it is expected to disrupt the last 32 amino acid(s) of the MICAL1 protein. This variant is not present in population databases (gnomAD no frequency). This variant has not been reported in the literature in individuals affected with MICAL1-related conditions. Experimental studies and prediction algorithms are not available or were not evaluated, and the functional significance of this variant is currently unknown. In summary, the available evidence is currently insufficient to determine the role of this variant in disease. Therefore, it has been classified as a Variant of Uncertain Significance.